The following is an entry in ClinVar:

ClinVar aggregate classification (germline): Likely pathogenic (1 of 4 stars; one submission).

Conditions:
COL4A3-related disorder. Also called: COL4A3-Related Disorders; COL4A3-related condition.

Submission:

PreventionGenetics, part of Exact Sciences
Classification: Likely pathogenic for COL4A3-related condition. Last evaluated: 2025-10-25. Review status: criteria provided, single submitter. Criteria: ACMG Guidelines, 2015. Collection method: clinical testing. Allele origin: germline.
Comment: The COL4A3 c.647G>A variant is predicted to result in the amino acid substitution p.Gly216Asp. To our knowledge, this variant has not been reported in the literature or in a large population database (gnomAD), indicating this variant is rare. The p.Gly216 residue is located in the conserved triple helical domain, where substitutions of the glycine are usually pathogenic (UniProt residues 43-1438, Hudson et al. 1993. PubMed ID: 8253711; Nozu et al. 2001. [Update 2025]. PubMed ID: 20301386). This variant is interpreted as likely pathogenic.

NM_000091.5(COL4A3):c.647G>A (p.Gly216Asp)

Genes: COL4A3 (collagen type IV alpha 3 chain; plus strand), MFF-DT (MFF divergent transcript; minus strand). Cytogenetic location: 2q36.3.
Variant type: single nucleotide variant.
Coding change: c.647G>A on transcript NM_000091.5 (MANE Select); coding-DNA position 647, G replaced by A.
Protein change: p.Gly216Asp; replaces glycine 216 with aspartic acid.
Molecular consequence: missense variant.
Genome position (GRCh38, 1-based): chr2:227,253,297, G>A. VCF-style: chr2-227253297-G-A. GRCh37 (hg19) VCF-style: chr2-228118013-G-A.
Other names: short protein forms G216D.
Identifiers: ClinVar variation 4994847 (VCV004994847.1).